The following is an entry in ClinVar:

ClinVar aggregate classification (germline): Pathogenic/Likely pathogenic. Review status: criteria provided, multiple submitters, no conflicts (2 of 4 stars). 7 submissions from 7 submitters: Pathogenic (1); Likely pathogenic (6). Last evaluated 2025-07-02.

Conditions:
Neurofibromatosis, type 1 (NF1). Also called: Peripheral type neurofibromatosis; VON RECKLINGHAUSEN DISEASE; Neurofibromatosis, type I; NEUROFIBROMATOSIS, TYPE I, SOMATIC. Identifiers: Orphanet 636, MedGen C0027831, MONDO:0018975, OMIM 162200. Disease mechanism: loss of function.
NF1-related disorder. Also called: NF1-related condition. Identifiers: MedGen CN379171.
Hereditary cancer-predisposing syndrome. Also called: Hereditary Cancer Syndrome; Tumor predisposition; Neoplastic Syndromes, Hereditary; Hereditary neoplastic syndrome. Identifiers: Orphanet 140162, MedGen C0027672, MeSH D009386, MONDO:0015356.
Cardiovascular phenotype. Identifiers: MedGen CN230736.

Submissions (7):

Labcorp Genetics (formerly Invitae), Labcorp
Classification: Pathogenic for Neurofibromatosis, type 1. Last evaluated: 2025-07-02. Review status: criteria provided, single submitter. Criteria: Invitae Variant Classification Sherloc (09022015). Collection method: clinical testing. Allele origin: germline.
Comment: This sequence change replaces proline, which is neutral and non-polar, with arginine, which is basic and polar, at codon 1084 of the NF1 protein (p.Pro1084Arg). This variant is not present in population databases (gnomAD no frequency). This missense change has been observed in individual(s) with clinical features of neurofibromatosis type 1 (PMID: 23656349, 30014477, 31776437). ClinVar contains an entry for this variant (Variation ID: 1199076). Invitae Evidence Modeling of protein sequence and biophysical properties (such as structural, functional, and spatial information, amino acid conservation, physicochemical variation, residue mobility, and thermodynamic stability) indicates that this missense variant is expected to disrupt NF1 protein function with a positive predictive value of 95%. This variant disrupts the p.Pro1084 amino acid residue in NF1. Other variant(s) that disrupt this residue have been determined to be pathogenic (PMID: 23656349, 28422438, 29673180; internal data). This suggests that this residue is clinically significant, and that variants that disrupt this residue are likely to be disease-causing. For these reasons, this variant has been classified as Pathogenic.

GeneDx
Classification: Likely pathogenic. Last evaluated: 2025-06-16. Review status: criteria provided, single submitter. Criteria: GeneDx Variant Classification Process June 2021. Collection method: clinical testing. Allele origin: germline. Affected: yes.
Comment: Observed in individuals with neurofibromatosis type 1 and an individual with Noonan syndrome in the published literature (PMID: 30556322, 30014477, 31776437); Not observed at significant frequency in large population cohorts (gnomAD); In silico analysis supports that this missense variant has a deleterious effect on protein structure/function; This variant is associated with the following publications: (PMID: 23656349, 30556322, 30014477, 25486365, 2121369, 28422438, 31776437, 33599171, 35353986, 38088145, 29673180)

Division of Genetic & Genomic Pathology, Hong Kong Children's Hospital
Classification: Likely pathogenic for Neurofibromatosis, type 1. Last evaluated: 2025-04-15. Review status: criteria provided, single submitter. Criteria: ACMG Guidelines, 2015. Collection method: clinical testing. Allele origin: de novo. Affected: yes.
Comment: NF1 c.3251C>G p.(Pro1084Arg) is a missense variant located in exon 25 of the NF1 gene. The variant has not been reported in population control databases (gnomAD v4.1.0 and v2.1.1). The variant was reported in patients with neurofibromatosis type 1 (PMID: 23656349, 30556322, 31776437) and deposited as pathogenic/ likely pathogenic in ClinVar (Accession: VCV001199076.12). In-silico pathogenicity prediction for this variant was inconclusive with a REVEL score of 0.64. Different missense variants affecting the same amino acid, p.(Pro1084Ser) and p.(Pro1084His), have been reported in patients with suspected or clinically diagnosed neurofibromatosis type 1 (PMID: 28422438, 29673180, 27322474). For these reasons, NF1 c.3251C>G is classified as likely pathogenic.

Blueprint Genetics
Classification: Likely pathogenic for NF1-related disorders. Last evaluated: 2023-09-29. Review status: criteria provided, single submitter. Criteria: ACMG Guidelines, 2015. Collection method: clinical testing. Allele origin: germline. Affected: yes. Observed: 1 variant allele.

PreventionGenetics, part of Exact Sciences
Classification: Likely pathogenic for NF1-related condition. Last evaluated: 2023-07-11. Review status: criteria provided, single submitter. Criteria: ACMG Guidelines, 2015. Collection method: clinical testing. Allele origin: germline.
Comment: The NF1 c.3251C>G variant is predicted to result in the amino acid substitution p.Pro1084Arg. This variant was reported in unrelated individuals with neurofibromatosis type 1 (Kang E et al 2019. PubMed ID: 31776437; Palma Milla C et al 2018. PubMed ID: 30014477). This variant has not been reported in a large population database, indicating this variant is rare. Additionally, different amino acid substitutions affecting the same amino acid (p.Pro1084Ser and p.Pro1084His) have been reported in individuals with neurofibromatosis type 1 (Human Gene Mutation Database). This variant is interpreted as likely pathogenic.

Genome-Nilou Lab
Classification: Likely pathogenic for Neurofibromatosis, type 1. Last evaluated: 2022-03-15. Review status: criteria provided, single submitter. Criteria: ACMG Guidelines, 2015. Collection method: clinical testing. Allele origin: germline. Affected: no.

Ambry Genetics
Classification: Likely pathogenic for Cardiovascular phenotype; Hereditary cancer-predisposing syndrome. Last evaluated: 2021-05-10. Review status: criteria provided, single submitter. Criteria: Ambry Variant Classification Scheme 2023. Collection method: clinical testing. Allele origin: germline.
Comment: The p.P1084R variant (also known as c.3251C>G), located in coding exon 25 of the NF1 gene, results from a C to G substitution at nucleotide position 3251. The proline at codon 1084 is replaced by arginine, an amino acid with dissimilar properties. This variant has been reported in two individuals with a clinical diagnosis of neurofibromatosis (Palma Milla C et al. Ann Hum Genet, 2018 11;82:425-436; Kang E et al. J Hum Genet, 2020 Jan;65:79-89). This variant is considered to be rare based on population cohorts in the Genome Aggregation Database (gnomAD). This amino acid position is highly conserved in available vertebrate species. In addition, the in silico prediction for this alteration is inconclusive. Based on the majority of available evidence to date, this variant is likely to be pathogenic.

Literature cited by the submitters: PubMed 23656349 (cited by Labcorp Genetics (formerly Invitae), Labcorp and Division of Genetic & Genomic Pathology, Hong Kong Children's Hospital); PubMed 30014477 (cited by Labcorp Genetics (formerly Invitae), Labcorp); PubMed 31776437 (cited by Labcorp Genetics (formerly Invitae), Labcorp and Division of Genetic & Genomic Pathology, Hong Kong Children's Hospital); PubMed 28422438 (cited by Labcorp Genetics (formerly Invitae), Labcorp and Division of Genetic & Genomic Pathology, Hong Kong Children's Hospital); PubMed 29673180 (cited by Labcorp Genetics (formerly Invitae), Labcorp and Division of Genetic & Genomic Pathology, Hong Kong Children's Hospital); PubMed 30556322 (cited by Division of Genetic & Genomic Pathology, Hong Kong Children's Hospital); PubMed 27322474 (cited by Division of Genetic & Genomic Pathology, Hong Kong Children's Hospital).

NM_001042492.3(NF1):c.3251C>G (p.Pro1084Arg)

Gene: NF1 (neurofibromin 1; plus strand). Cytogenetic location: 17q11.2.
Variant type: single nucleotide variant.
Coding change: c.3251C>G on transcript NM_001042492.3 (MANE Select); coding-DNA position 3251, C replaced by G.
Protein change: p.Pro1084Arg; replaces proline 1084 with arginine.
Molecular consequence: missense variant.
Genome position (GRCh38, 1-based): chr17:31,232,126, C>G. VCF-style: chr17-31232126-C-G. GRCh37 (hg19) VCF-style: chr17-29559144-C-G.
Other names: c.3251C>G, p.Pro1084Arg (NM_000267.4); short protein forms P1084R.
Identifiers: ClinVar variation 1199076 (VCV001199076.16), dbSNP rs1164081667, ClinGen allele CA398988800.